The following is an entry in ClinVar:

NM_018294.6(CWF19L1):c.942del (p.Pro315fs)

Gene: CWF19L1 (CWF19 like cell cycle control factor 1; minus strand). Cytogenetic location: 10q24.31.
Variant type: Deletion.
Coding change: c.942del on transcript NM_018294.6 (MANE Select); coding-DNA position 942, one base deleted (T; older notation c.942delT).
Protein change: p.Pro315fs; shifts the reading frame from proline 315.
Molecular consequence: frameshift variant.
Genome position (GRCh38, 1-based): chr10:100,245,821, A deleted on the plus strand (T on the coding strand, the reverse complement: CWF19L1 is on the minus strand). VCF-style (leftmost placement, unchanged base first): chr10-100245820-GA-G. GRCh37 (hg19) VCF-style: chr10-102005577-GA-G.
Other names: c.942del, p.Pro315fs (NM_001303404.2); c.531del, p.Pro178fs (NM_001303405.2, NM_001303406.2); c.207del, p.Pro70fs (NM_001303407.2); short protein forms P178fs, P70fs, P315fs.
Identifiers: ClinVar variation 806557 (VCV000806557.44), dbSNP rs749679347, ClinGen allele CA5647024.
Genomic context (GRCh38, chr10:100,245,820, plus strand): 5'-ACTGTTCATAGAAGAAACCTCTGGAATAAAGGTACTTACGAGGTTTGCGAGGCTGCTTTG[GA>G]TGAGGAGAAGATTTGCTATCTCTACCTGTGGATGAACGCTTCCTTCCCTGCTTTTCATTT-3'

ClinVar aggregate classification (germline): Likely pathogenic. Review status: criteria provided, multiple submitters, no conflicts (2 of 4 stars). 3 submissions from 3 submitters: Likely pathogenic (2). 1 of the submissions does not count toward it. Last evaluated 2019-09-27.

Conditions:
Autosomal recessive spinocerebellar ataxia 17. Identifiers: Orphanet 453521, MedGen C4015301, MONDO:0014503, OMIM 616127.

Allele frequency attached by ClinVar (database versions not stated): gnomAD exomes below 0.00001; ExAC 0.00001.

Submissions (3):

New York Genome Center
Classification: Likely pathogenic for Autosomal recessive spinocerebellar ataxia 17. Last evaluated: 2019-09-27. Review status: criteria provided, single submitter. Criteria: NYGC Assertion Criteria 2020. Collection method: clinical testing. Allele origin: maternal. Inheritance: Autosomal recessive inheritance. Affected: yes. Observed: 1 compound heterozygote. Study: CSER-NYCKidSeq.
Comment: The c.942del, p.Pro315GlnfsTer68,a novel frameshift variant identified in CWF19L1 has not been reported in the available literature. This variant is also not reported in gnomAD database indicating this is a rare allele. The detected variant causes a 1 bp deletion at amino acid 315, which is predicted to cause a frameshift and premature stop further downstream and in silico tool predicts the variant is expected to result in an absent protein product through nonsense-mediated mRNAdecay [PMID: 24681721]. Based on the available evidence, the c.942del, p.Pro315GlnfsTer68 variant in the CWF19L1 gene is classified as likely pathogenic.

CeGaT Center for Human Genetics Tuebingen
Classification: Likely pathogenic. Last evaluated: 2019-06-01. Review status: criteria provided, single submitter. Criteria: CeGaT Center For Human Genetics Tuebingen Variant Classification Criteria Version 2. Collection method: clinical testing. Allele origin: germline. Affected: yes. Observed: 1 variant allele.

Solve-RD Consortium
Classification: Likely pathogenic for Autosomal recessive spinocerebellar ataxia 17. Last evaluated: 2022-06-01. Review status: no assertion criteria provided. Collection method: provider interpretation. Allele origin: inherited. Affected: yes. Not counted in ClinVar's aggregate classification.
Comment: Variant confirmed as disease-causing by referring clinical team

Variant identified during reanalysis of unsolved cases by the Solve-RD project. The Solve-RD project has received funding from the European Union’s Horizon 2020 research and innovation programme under grant agreement No 779257.

Literature cited by the submitters: PubMed 39825153 (cited by Solve-RD Consortium).